The following is an entry in ClinVar:

ClinVar aggregate classification (germline): Uncertain significance (1 of 4 stars; one submission).

Allele frequency attached by ClinVar (database versions not stated): gnomAD exomes below 0.00001; TOPMed 0.00001.
gnomAD v4.1: 1 of 1,614,014 alleles (0.000062%); highest among the groups gnomAD compares: Non-Finnish European, 0.000085%; no homozygotes.

Submission:

GeneDx
Classification: Uncertain significance. Last evaluated: 2025-03-07. Review status: criteria provided, single submitter. Criteria: GeneDx Variant Classification Process June 2021. Collection method: clinical testing. Allele origin: germline. Affected: yes.
Comment: Not observed in large population cohorts (gnomAD); In silico analysis supports that this missense variant does not alter protein structure/function; Has not been previously published as pathogenic or benign to our knowledge

NM_001080517.3(SETD5):c.2693C>G (p.Ala898Gly)

Gene: SETD5 (SET domain containing 5; plus strand). Cytogenetic location: 3p25.3.
Variant type: single nucleotide variant.
Coding change: c.2693C>G on transcript NM_001080517.3 (MANE Select); coding-DNA position 2693, C replaced by G.
Protein change: p.Ala898Gly; replaces alanine 898 with glycine.
Molecular consequence: missense variant.
Genome position (GRCh38, 1-based): chr3:9,464,641, C>G. VCF-style: chr3-9464641-C-G. GRCh37 (hg19) VCF-style: chr3-9506325-C-G.
Other names: c.2399C>G, p.Ala800Gly (NM_001292043.2, NM_001349451.2); short protein forms A800G, A898G.
Identifiers: ClinVar variation 1314762 (VCV001314762.3), dbSNP rs2044347815, ClinGen allele CA351708393.